The following is an entry in ClinVar:

NM_001111.5(ADAR):c.1468T>A (p.Cys490Ser)

Gene: ADAR (adenosine deaminase RNA specific; minus strand). Cytogenetic location: 1q21.3.
Variant type: single nucleotide variant.
Coding change: c.1468T>A on transcript NM_001111.5 (MANE Select); coding-DNA position 1468, T replaced by A.
Protein change: p.Cys490Ser; replaces cysteine 490 with serine.
Molecular consequence: missense variant.
Genome position (GRCh38, 1-based): chr1:154,601,174, A>T on the plus strand (T>A on the coding strand, the complement: ADAR is on the minus strand). VCF-style: chr1-154601174-A-T. GRCh37 (hg19) VCF-style: chr1-154573650-A-T.
Other names: c.583T>A, p.Cys195Ser (NM_001025107.3, NM_001193495.2, NM_001365046.1 and 3 more transcripts); c.1495T>A, p.Cys499Ser (NM_001365045.1); c.1468T>A, p.Cys490Ser (NM_015840.4, NM_015841.4); short protein forms C499S, C490S, C195S.
Identifiers: ClinVar variation 2122141 (VCV002122141.4), dbSNP rs1260898218, ClinGen allele CA342596216.

ClinVar aggregate classification (germline): Uncertain significance (1 of 4 stars; one submission).

Conditions:
Aicardi-Goutieres syndrome 6 (AGS6). Identifiers: Orphanet 51, MedGen C3539013, MONDO:0014007, OMIM 615010.
Symmetrical dyschromatosis of extremities (DSH). Also called: RETICULATE ACROPIGMENTATION OF DOHI; SYMMETRIC DYSCHROMATOSIS OF THE EXTREMITIES; Dyschromatosis symmetrica hereditaria; DYSCHROMATOSIS SYMMETRICA HEREDITARIA 1. Identifiers: Orphanet 41, MedGen C0406775, MONDO:0007483, OMIM 127400.

Submission:

Labcorp Genetics (formerly Invitae), Labcorp
Classification: Uncertain significance for Aicardi-Goutieres syndrome 6; Symmetrical dyschromatosis of extremities. Last evaluated: 2022-04-06. Review status: criteria provided, single submitter. Criteria: Invitae Variant Classification Sherloc (09022015). Collection method: clinical testing. Allele origin: germline.
Comment: In summary, the available evidence is currently insufficient to determine the role of this variant in disease. Therefore, it has been classified as a Variant of Uncertain Significance. Algorithms developed to predict the effect of missense changes on protein structure and function (SIFT, PolyPhen-2, Align-GVGD) all suggest that this variant is likely to be tolerated. This variant has not been reported in the literature in individuals affected with ADAR-related conditions. This variant is not present in population databases (gnomAD no frequency). This sequence change replaces cysteine, which is neutral and slightly polar, with serine, which is neutral and polar, at codon 490 of the ADAR protein (p.Cys490Ser).